The following is an entry in ClinVar:

NM_004655.4(AXIN2):c.2032C>G (p.Leu678Val)

Gene: AXIN2 (axin 2; minus strand). Cytogenetic location: 17q24.1.
Variant type: single nucleotide variant.
Coding change: c.2032C>G on transcript NM_004655.4 (MANE Select); coding-DNA position 2032, C replaced by G.
Protein change: p.Leu678Val; replaces leucine 678 with valine.
Molecular consequence: missense variant.
Genome position (GRCh38, 1-based): chr17:65,536,429, G>C on the plus strand (C>G on the coding strand, the complement: AXIN2 is on the minus strand). VCF-style: chr17-65536429-G-C. GRCh37 (hg19) VCF-style: chr17-63532547-G-C.
Other names: c.1837C>G, p.Leu613Val (NM_001363813.1); c.2032C>G (NM_004655.3); short protein forms L613V, L678V.
Identifiers: ClinVar variation 1417349 (VCV001417349.6), dbSNP rs2043917337, ClinGen allele CA400676124.

ClinVar aggregate classification (germline): Uncertain significance. Review status: criteria provided, multiple submitters, no conflicts (2 of 4 stars). 2 submissions from 2 submitters: Uncertain significance (2). Last evaluated 2024-01-19.

Conditions:
Oligodontia-cancer predisposition syndrome. Also called: TOOTH AGENESIS-COLORECTAL CANCER SYNDROME. Identifiers: Orphanet 300576, MedGen C1837750, MONDO:0012075, OMIM 608615. Disease mechanism: loss of function.
Hereditary cancer-predisposing syndrome. Also called: Hereditary Cancer Syndrome; Tumor predisposition; Hereditary neoplastic syndrome; Neoplastic Syndromes, Hereditary. Identifiers: Orphanet 140162, MedGen C0027672, MeSH D009386, MONDO:0015356.

Submissions (2):

Labcorp Genetics (formerly Invitae), Labcorp
Classification: Uncertain significance for Oligodontia-cancer predisposition syndrome. Last evaluated: 2024-01-19. Review status: criteria provided, single submitter. Criteria: Invitae Variant Classification Sherloc (09022015). Collection method: clinical testing. Allele origin: germline.
Comment: This sequence change replaces leucine, which is neutral and non-polar, with valine, which is neutral and non-polar, at codon 678 of the AXIN2 protein (p.Leu678Val). This variant is not present in population databases (gnomAD no frequency). This variant has not been reported in the literature in individuals affected with AXIN2-related conditions. ClinVar contains an entry for this variant (Variation ID: 1417349). Advanced modeling of protein sequence and biophysical properties (such as structural, functional, and spatial information, amino acid conservation, physicochemical variation, residue mobility, and thermodynamic stability) performed at Invitae indicates that this missense variant is not expected to disrupt AXIN2 protein function with a negative predictive value of 80%. In summary, the available evidence is currently insufficient to determine the role of this variant in disease. Therefore, it has been classified as a Variant of Uncertain Significance.

Ambry Genetics
Classification: Uncertain significance for Hereditary cancer-predisposing syndrome. Last evaluated: 2023-11-10. Review status: criteria provided, single submitter. Criteria: Ambry Variant Classification Scheme 2023. Collection method: clinical testing. Allele origin: germline.
Comment: The p.L678V variant (also known as c.2032C>G), located in coding exon 7 of the AXIN2 gene, results from a C to G substitution at nucleotide position 2032. The leucine at codon 678 is replaced by valine, an amino acid with highly similar properties. This amino acid position is conserved. In addition, this alteration is predicted to be tolerated by in silico analysis. Since supporting evidence is limited at this time, the clinical significance of this alteration remains unclear.